The following is an entry in ClinVar:

ClinVar aggregate classification (germline): Likely benign (1 of 4 stars; one submission).

Allele frequency attached by ClinVar (database versions not stated): TOPMed below 0.00001 and 0.00001; gnomAD 0.00003 and 0.00001.
gnomAD v4.1: 4 of 1,614,040 alleles (0.00025%); highest among the groups gnomAD compares: African/African-American, 0.0027%; no homozygotes.

Submission:

GeneDx
Classification: Likely benign. Last evaluated: 2016-06-23. Review status: criteria provided, single submitter. Criteria: GeneDx Variant Classification (06012015). Collection method: clinical testing. Allele origin: germline. Affected: yes.
Comment: This variant is considered likely benign or benign based on one or more of the following criteria: it is a conservative change, it occurs at a poorly conserved position in the protein, it is predicted to be benign by multiple in silico algorithms, and/or has population frequency not consistent with disease.

NM_015443.4(KANSL1):c.3008C>T (p.Thr1003Ile)

Gene: KANSL1 (KAT8 regulatory NSL complex subunit 1). Cytogenetic location: 17q21.31.
Variant type: single nucleotide variant.
Coding change: c.3008C>T on transcript NM_015443.4 (MANE Select); coding-DNA position 3008, C replaced by T.
Protein change: p.Thr1003Ile; replaces threonine 1003 with isoleucine.
Molecular consequence: missense variant.
Genome position (GRCh38, 1-based): chr17:46,032,129, G>A on the plus strand (C>T on the coding strand, the complement: KANSL1 is on the minus strand). VCF-style: chr17-46032129-G-A. GRCh37 (hg19) VCF-style: chr17-44109495-G-A.
Other names: c.3005C>T, p.Thr1002Ile (NM_001193465.2); c.3008C>T, p.Thr1003Ile (NM_001193466.2, NM_001379198.1); short protein forms T1003I, T1002I.
Identifiers: ClinVar variation 386880 (VCV000386880.1), dbSNP rs775516828, ClinGen allele CA16608481.